The following is an entry in ClinVar:

NM_022042.4(SLC26A1):c.1349T>C (p.Leu450Pro)

Genes: IDUA (alpha-L-iduronidase; plus strand), SLC26A1 (solute carrier family 26 member 1; minus strand). Cytogenetic location: 4p16.3.
Variant type: single nucleotide variant.
Coding change: c.1349T>C on transcript NM_022042.4 (MANE Select); coding-DNA position 1349, T replaced by C.
Protein change: p.Leu450Pro; replaces leucine 450 with proline.
Molecular consequence: missense variant. On other transcripts: intron variant (2).
Genome position (GRCh38, 1-based): chr4:989,590, A>G on the plus strand (T>C on the coding strand, the complement: SLC26A1 is on the minus strand). VCF-style: chr4-989590-A-G. GRCh37 (hg19) VCF-style: chr4-983378-A-G.
Other names: c.1349T>C, p.Leu450Pro (NM_213613.4); c.576+1538T>C (NM_134425.4); c.299+1641A>G (NM_000203.5); short protein forms L450P.
Identifiers: ClinVar variation 3591490 (VCV003591490.2).
Genomic context (GRCh38, chr4:989,590, plus strand): 5'-TCAGCCGGGCTCATCCGCCACAGCCGCGGGAGGTCCCACACCTTGCGCAGGGCCCCCCGC[A>G]GGCTGACCACGATGACGCAGGCCAGCACGCTTCGCTGTAGGTCGTGGAACAGCGGTGCCA-3'
Protein context (NP_071325.2, residues 440-460): SVLACVIVVS[Leu450Pro]RGALRKVWDL

ClinVar aggregate classification (germline): Uncertain significance. Review status: criteria provided, multiple submitters, no conflicts (2 of 4 stars). 2 submissions from 2 submitters: Uncertain significance (2). Last evaluated 2025-12-17.

Conditions:
Hypersulfaturia (HYSULF). Identifiers: MedGen C5830511, MONDO:0957268, OMIM 620372.
Nephrolithiasis susceptibility caused by SLC26A1 (CAON1). Also called: NEPHROLITHIASIS, CALCIUM OXALATE, 1. Identifiers: MedGen C5779632, MONDO:0020722, OMIM 167030.

Submissions (2):

Labcorp Genetics (formerly Invitae), Labcorp
Classification: Uncertain significance. Last evaluated: 2025-12-17. Review status: criteria provided, single submitter. Criteria: Invitae Variant Classification Sherloc (09022015). Collection method: clinical testing. Allele origin: germline.
Comment: This sequence change replaces leucine, which is neutral and non-polar, with proline, which is neutral and non-polar, at codon 450 of the SLC26A1 protein (p.Leu450Pro). This variant is not present in population databases (gnomAD no frequency). This variant has not been reported in the literature in individuals affected with SLC26A1-related conditions. ClinVar contains an entry for this variant (Variation ID: 3591490). Invitae Evidence Modeling of protein sequence and biophysical properties (such as structural, functional, and spatial information, amino acid conservation, physicochemical variation, residue mobility, and thermodynamic stability) indicates that this missense variant is expected to disrupt SLC26A1 protein function with a positive predictive value of 80%. In summary, the available evidence is currently insufficient to determine the role of this variant in disease. Therefore, it has been classified as a Variant of Uncertain Significance.

Fulgent Genetics
Classification: Uncertain significance for Nephrolithiasis susceptibility caused by SLC26A1; Hypersulfaturia. Last evaluated: 2024-05-17. Review status: criteria provided, single submitter. Criteria: ACMG Guidelines, 2015. Collection method: clinical testing. Allele origin: germline.